The following is an entry in ClinVar:

NM_012144.4(DNAI1):c.727A>G (p.Lys243Glu)

Gene: DNAI1 (dynein axonemal intermediate chain 1; plus strand). Cytogenetic location: 9p13.3.
Variant type: single nucleotide variant.
Coding change: c.727A>G on transcript NM_012144.4 (MANE Select); coding-DNA position 727, A replaced by G.
Protein change: p.Lys243Glu; replaces lysine 243 with glutamic acid.
Molecular consequence: missense variant.
Genome position (GRCh38, 1-based): chr9:34,493,239, A>G. VCF-style: chr9-34493239-A-G. GRCh37 (hg19) VCF-style: chr9-34493237-A-G.
Other names: c.739A>G, p.Lys247Glu (NM_001281428.2); short protein forms K243E, K247E.
Identifiers: ClinVar variation 912502 (VCV000912502.10), dbSNP rs775818668, ClinGen allele CA5034173.

ClinVar aggregate classification (germline): Uncertain significance. Review status: criteria provided, multiple submitters, no conflicts (2 of 4 stars). 3 submissions from 3 submitters: Uncertain significance (3). Last evaluated 2024-09-06.

Conditions:
Primary ciliary dyskinesia. Also called: Ciliary dyskinesia. Identifiers: Orphanet 244, MedGen C0008780, MONDO:0016575, HP:0012265.
Kartagener syndrome (CILD1). Also called: Dextrocardia bronchiectasis and sinusitis; CILIARY DYSKINESIA, PRIMARY, 1, WITH OR WITHOUT SITUS INVERSUS; IMMOTILE CILIA SYNDROME; POLYNESIAN BRONCHIECTASIS; CILIARY DYSKINESIA, PRIMARY, 1; SIEWERT SYNDROME. Identifiers: Orphanet 244, MedGen C4551906, MONDO:0009484, OMIM 244400.

Allele frequency attached by ClinVar (database versions not stated): gnomAD 0.00001; ExAC 0.00002; gnomAD exomes 0.00003.
gnomAD v4.1: 43 of 1,614,102 alleles (0.0027%); highest among the groups gnomAD compares: Middle Eastern, 0.033%; no homozygotes.

Submissions (3):

Blueprint Genetics
Classification: Uncertain significance. Last evaluated: 2024-09-06. Review status: criteria provided, single submitter. Criteria: ACMG Guidelines, 2015. Collection method: clinical testing. Allele origin: germline.

Labcorp Genetics (formerly Invitae), Labcorp
Classification: Uncertain significance for Primary ciliary dyskinesia. Last evaluated: 2022-06-22. Review status: criteria provided, single submitter. Criteria: Invitae Variant Classification Sherloc (09022015). Collection method: clinical testing. Allele origin: germline.
Comment: This sequence change replaces lysine, which is basic and polar, with glutamic acid, which is acidic and polar, at codon 243 of the DNAI1 protein (p.Lys243Glu). This variant is present in population databases (rs775818668, gnomAD 0.006%). This variant has not been reported in the literature in individuals affected with DNAI1-related conditions. ClinVar contains an entry for this variant (Variation ID: 912502). Algorithms developed to predict the effect of missense changes on protein structure and function (SIFT, PolyPhen-2, Align-GVGD) all suggest that this variant is likely to be tolerated. In summary, the available evidence is currently insufficient to determine the role of this variant in disease. Therefore, it has been classified as a Variant of Uncertain Significance.

Illumina Laboratory Services, Illumina
Classification: Uncertain significance for Kartagener syndrome. Last evaluated: 2018-01-13. Review status: criteria provided, single submitter. Criteria: ICSL Variant Classification Criteria 13 December 2019. Collection method: clinical testing. Allele origin: germline.